The following is an entry in ClinVar:

NM_004655.4(AXIN2):c.2167G>A (p.Asp723Asn)

Gene: AXIN2 (axin 2; minus strand). Cytogenetic location: 17q24.1.
Variant type: single nucleotide variant.
Coding change: c.2167G>A on transcript NM_004655.4 (MANE Select); coding-DNA position 2167, G replaced by A.
Protein change: p.Asp723Asn; replaces aspartic acid 723 with asparagine.
Molecular consequence: missense variant.
Genome position (GRCh38, 1-based): chr17:65,535,696, C>T on the plus strand (G>A on the coding strand, the complement: AXIN2 is on the minus strand). VCF-style: chr17-65535696-C-T. GRCh37 (hg19) VCF-style: chr17-63531814-C-T.
Other names: c.2167G>A (NM_004655.3); c.1972G>A, p.Asp658Asn (NM_001363813.1); short protein forms D723N, D658N.
Identifiers: ClinVar variation 1350046 (VCV001350046.8), dbSNP rs2144433682, ClinGen allele CA400675832.

ClinVar aggregate classification (germline): Conflicting classifications of pathogenicity. Review status: criteria provided, conflicting classifications (1 of 4 stars). 2 submissions from 2 submitters: Uncertain significance (1); Likely benign (1). Last evaluated 2025-06-26.

Conditions:
Hereditary cancer-predisposing syndrome. Also called: Hereditary neoplastic syndrome; Tumor predisposition; Neoplastic Syndromes, Hereditary; Hereditary Cancer Syndrome. Identifiers: Orphanet 140162, MedGen C0027672, MeSH D009386, MONDO:0015356.
Oligodontia-cancer predisposition syndrome. Also called: TOOTH AGENESIS-COLORECTAL CANCER SYNDROME. Identifiers: Orphanet 300576, MedGen C1837750, MONDO:0012075, OMIM 608615. Disease mechanism: loss of function.

Submissions (2):

Ambry Genetics
Classification: Likely benign for Hereditary cancer-predisposing syndrome. Last evaluated: 2025-06-26. Review status: criteria provided, single submitter. Criteria: Ambry Variant Classification Scheme 2023. Collection method: clinical testing. Allele origin: germline.

Labcorp Genetics (formerly Invitae), Labcorp
Classification: Uncertain significance for Oligodontia-cancer predisposition syndrome. Last evaluated: 2024-01-02. Review status: criteria provided, single submitter. Criteria: Invitae Variant Classification Sherloc (09022015). Collection method: clinical testing. Allele origin: germline.
Comment: This sequence change replaces aspartic acid, which is acidic and polar, with asparagine, which is neutral and polar, at codon 723 of the AXIN2 protein (p.Asp723Asn). This variant is not present in population databases (gnomAD no frequency). This variant has not been reported in the literature in individuals affected with AXIN2-related conditions. ClinVar contains an entry for this variant (Variation ID: 1350046). Advanced modeling of protein sequence and biophysical properties (such as structural, functional, and spatial information, amino acid conservation, physicochemical variation, residue mobility, and thermodynamic stability) performed at Invitae indicates that this missense variant is not expected to disrupt AXIN2 protein function with a negative predictive value of 80%. In summary, the available evidence is currently insufficient to determine the role of this variant in disease. Therefore, it has been classified as a Variant of Uncertain Significance.